The following is an entry in ClinVar:

NM_001308330.2(STXBP5L):c.3240G>A (p.Ser1080=)

Gene: STXBP5L (syntaxin binding protein 5L; plus strand). Cytogenetic location: 3q13.33.
Variant type: single nucleotide variant.
Coding change: c.3240G>A on transcript NM_001308330.2 (MANE Select); coding-DNA position 3240, G replaced by A.
Protein change: p.Ser1080=; no amino-acid change (serine 1080 retained).
Molecular consequence: synonymous variant. On other transcripts: non-coding transcript variant (1).
Genome position (GRCh38, 1-based): chr3:121,418,350, G>A. VCF-style: chr3-121418350-G-A. GRCh37 (hg19) VCF-style: chr3-121137197-G-A.
Other names: c.3312G>A, p.Ser1104= (NM_001348343.2, NM_014980.3); c.3240G>A, p.Ser1080= (NM_001348344.2, NM_001348345.2).
Identifiers: ClinVar variation 3058314 (VCV003058314.2), dbSNP rs751191295, ClinGen allele CA2562008.
Genomic context (GRCh38, chr3:121,418,350, plus strand): 5'-TGAATTACTGACAAAATGTTTTAAATTGCTATTGCATATATTCTCAGTTGGGGAAGCTTC[G>A]GCAGGAAAAGCATCCCGCAGCCTTGCGCAACACATTCCTGGACCAGGTAGTATAGAAGGG-3'
Protein context (NP_001295259.1, residues 1070-1090): FDREELFGEA[Ser1080=]AGKASRSLAQ

ClinVar aggregate classification (germline): Likely benign (0 of 4 stars; one submission).

Conditions:
STXBP5L-related disorder. Also called: STXBP5L-related condition.

Allele frequency attached by ClinVar (database versions not stated): TOPMed 0.00002.
gnomAD v4.1: 42 of 1,612,984 alleles (0.0026%); highest among the groups gnomAD compares: South Asian, 0.018%; no homozygotes.

Submission:

PreventionGenetics, part of Exact Sciences
Classification: Likely benign for STXBP5L-related condition. Last evaluated: 2019-04-10. Review status: no assertion criteria provided. Collection method: clinical testing. Allele origin: germline.
Comment: This variant is classified as likely benign based on ACMG/AMP sequence variant interpretation guidelines (Richards et al. 2015 PMID: 25741868, with internal and published modifications).